The following is an entry in ClinVar:

NM_002334.4(LRP4):c.2861A>G (p.Tyr954Cys)

Gene: LRP4 (LDL receptor related protein 4; minus strand). Cytogenetic location: 11p11.2.
Variant type: single nucleotide variant.
Coding change: c.2861A>G on transcript NM_002334.4 (MANE Select); coding-DNA position 2861, A replaced by G.
Protein change: p.Tyr954Cys; replaces tyrosine 954 with cysteine.
Molecular consequence: missense variant.
Genome position (GRCh38, 1-based): chr11:46,879,269, T>C on the plus strand (A>G on the coding strand, the complement: LRP4 is on the minus strand). VCF-style: chr11-46879269-T-C. GRCh37 (hg19) VCF-style: chr11-46900820-T-C.
Other names: c.2861A>G (NM_002334.3); short protein forms Y954C.
Identifiers: ClinVar variation 1056597 (VCV001056597.9), dbSNP rs775608977, ClinGen allele CA5969764.

ClinVar aggregate classification (germline): Uncertain significance. Review status: criteria provided, multiple submitters, no conflicts (2 of 4 stars). 2 submissions from 2 submitters: Uncertain significance (2). Last evaluated 2025-07-15.

Conditions:
Cenani-Lenz syndactyly syndrome. Also called: CENANI SYNDACTYLISM; SYNDACTYLY, TYPE VII. Identifiers: Orphanet 3258, MedGen C1859309, MONDO:0008931, OMIM 212780.
Inborn genetic diseases. Identifiers: MedGen C0950123, MeSH D030342.
Sclerosteosis 2 (SOST2). Identifiers: Orphanet 3152, MedGen C3280402, MONDO:0013679, OMIM 614305.
Congenital myasthenic syndrome 17. Identifiers: Orphanet 590, MedGen C4225377, MONDO:0014578, OMIM 616304.

Allele frequency attached by ClinVar (database versions not stated): gnomAD exomes 0.00002; TOPMed 0.00001; ExAC 0.00002; gnomAD 0.00002.
gnomAD v4.1: 16 of 1,614,096 alleles (0.00099%); highest among the groups gnomAD compares: Non-Finnish European, 0.0013%; no homozygotes.

Submissions (2):

Ambry Genetics
Classification: Uncertain significance for Inborn genetic diseases. Last evaluated: 2025-07-15. Review status: criteria provided, single submitter. Criteria: Ambry Variant Classification Scheme 2023. Collection method: clinical testing. Allele origin: germline.

Labcorp Genetics (formerly Invitae), Labcorp
Classification: Uncertain significance for Cenani-Lenz syndactyly syndrome; Sclerosteosis 2; Congenital myasthenic syndrome 17. Last evaluated: 2021-08-27. Review status: criteria provided, single submitter. Criteria: Invitae Variant Classification Sherloc (09022015). Collection method: clinical testing. Allele origin: germline.
Comment: This sequence change replaces tyrosine with cysteine at codon 954 of the LRP4 protein (p.Tyr954Cys). The tyrosine residue is highly conserved and there is a large physicochemical difference between tyrosine and cysteine. This variant is present in population databases (rs775608977, ExAC 0.003%). This variant has not been reported in the literature in individuals affected with LRP4-related conditions. Algorithms developed to predict the effect of missense changes on protein structure and function (SIFT, PolyPhen-2, Align-GVGD) all suggest that this variant is likely to be disruptive. In summary, the available evidence is currently insufficient to determine the role of this variant in disease. Therefore, it has been classified as a Variant of Uncertain Significance.